The following is an entry in ClinVar:

NM_172351.3(CD46):c.673+59T>G

Gene: CD46 (CD46 molecule; plus strand). Cytogenetic location: 1q32.2.
Variant type: single nucleotide variant.
Coding change: c.673+59T>G on transcript NM_172351.3 (MANE Select); 59 bases into the intron after coding-DNA position 673, T replaced by G.
Molecular consequence: intron variant.
Genome position (GRCh38, 1-based): chr1:207,761,505, T>G. VCF-style: chr1-207761505-T-G. GRCh37 (hg19) VCF-style: chr1-207934850-T-G.
Other names: c.673+59T>G (NM_002389.4, NM_172359.3, NM_153826.4 and 8 more transcripts).
Identifiers: ClinVar variation 4976854 (VCV004976854.1).

ClinVar aggregate classification (germline): Likely benign (1 of 4 stars; one submission).

Conditions:
Atypical hemolytic-uremic syndrome. Identifiers: Orphanet 2134, MedGen C2931788, MONDO:0016244.

gnomAD v4.1: 1,867 of 1,340,750 alleles (0.14%); highest among the groups gnomAD compares: Non-Finnish European, 0.17%; 4 homozygotes.

Submission:

Genomenon, Inc
Classification: Likely benign for Atypical hemolytic-uremic syndrome. Last evaluated: 2026-09-17. Review status: criteria provided, single submitter. Criteria: Genomenon Sequence Variant Interpretation Standards - Updated. Collection method: curation. Allele origin: germline. Affected: no.
Comment: CD46 c.673+59T>G is an intronic variant located in intron 5. This variant is not predicted to impact splicing. This variant's allele frequency in gnomAD is greater than expected for this disorder. In conclusion, we classify CD46 c.673+59T>G as a likely benign variant.